The following is an entry in ClinVar:

NM_001352754.2(ARMC9):c.2372C>T (p.Ser791Leu)

Gene: ARMC9 (armadillo repeat containing 9; plus strand). Cytogenetic location: 2q37.1.
Variant type: single nucleotide variant.
Coding change: c.2372C>T on transcript NM_001352754.2 (MANE Select); coding-DNA position 2372, C replaced by T.
Protein change: p.Ser791Leu; replaces serine 791 with leucine.
Molecular consequence: missense variant.
Genome position (GRCh38, 1-based): chr2:231,370,063, C>T. VCF-style: chr2-231370063-C-T. GRCh37 (hg19) VCF-style: chr2-232234774-C-T.
Other names: c.2372C>T, p.Ser791Leu (NM_001271466.4); short protein forms S791L.
Identifiers: ClinVar variation 1386849 (VCV001386849.4), dbSNP rs542596515, ClinGen allele CA2160603.

ClinVar aggregate classification (germline): Uncertain significance (1 of 4 stars; one submission).

Allele frequency attached by ClinVar (database versions not stated): gnomAD 0.00001; gnomAD exomes 0.00001; ExAC 0.00008; 1000 Genomes Project 30x 0.00016; 1000 Genomes Project 0.00020.
gnomAD v4.1: 10 of 1,535,400 alleles (0.00065%); highest among the groups gnomAD compares: Admixed American, 0.002%; no homozygotes.

Submission:

Labcorp Genetics (formerly Invitae), Labcorp
Classification: Uncertain significance. Last evaluated: 2020-11-05. Review status: criteria provided, single submitter. Criteria: Invitae Variant Classification Sherloc (09022015). Collection method: clinical testing. Allele origin: germline.
Comment: In summary, the available evidence is currently insufficient to determine the role of this variant in disease. Therefore, it has been classified as a Variant of Uncertain Significance. Experimental studies and prediction algorithms are not available or were not evaluated, and the functional significance of this variant is currently unknown. This variant has not been reported in the literature in individuals with ARMC9-related conditions. While this variant is present in population databases (rs542596515), the frequency information is unreliable, as metrics indicate poor data quality at this position in the ExAC database. This sequence change replaces serine with leucine at codon 791 of the ARMC9 protein (p.Ser791Leu). The serine residue is weakly conserved and there is a large physicochemical difference between serine and leucine.